The following is an entry in ClinVar:

NM_001378454.1(ALMS1):c.8096C>T (p.Ser2699Leu)

Gene: ALMS1 (ALMS1 centrosome and basal body associated protein; plus strand). Cytogenetic location: 2p13.1.
Variant type: single nucleotide variant.
Coding change: c.8096C>T on transcript NM_001378454.1 (MANE Select); coding-DNA position 8096, C replaced by T.
Protein change: p.Ser2699Leu; replaces serine 2699 with leucine.
Molecular consequence: missense variant.
Genome position (GRCh38, 1-based): chr2:73,490,055, C>T. VCF-style: chr2-73490055-C-T. GRCh37 (hg19) VCF-style: chr2-73717182-C-T.
Other names: c.8099C>T, p.Ser2700Leu (NM_015120.4); short protein forms S2699L, S2700L.
Identifiers: ClinVar variation 965921 (VCV000965921.13), dbSNP rs769405720, ClinGen allele CA1714400.

ClinVar aggregate classification (germline): Uncertain significance. Review status: criteria provided, multiple submitters, no conflicts (2 of 4 stars). 4 submissions from 4 submitters: Uncertain significance (3). 1 of the submissions does not count toward it. Last evaluated 2026-07-23.

Conditions:
Alstrom syndrome (ALMS). Identifiers: Orphanet 64, MedGen C0268425, MONDO:0008763, OMIM 203800.

Allele frequency attached by ClinVar (database versions not stated): gnomAD 0.00001; gnomAD exomes 0.00001 and 0.00004; TOPMed 0.00001; ExAC 0.00002.
gnomAD v4.1: 13 of 1,614,078 alleles (0.00081%); highest among the groups gnomAD compares: Admixed American, 0.02%; no homozygotes.

Submissions (4):

GeneDx
Classification: Uncertain significance. Last evaluated: 2026-07-23. Review status: criteria provided, single submitter. Criteria: GeneDx Variant Classification Process June 2021. Collection method: clinical testing. Allele origin: germline.
Comment: In silico analysis supports that this missense variant has a deleterious effect on protein structure/function; Has not been previously published as pathogenic or benign to our knowledge

Labcorp Genetics (formerly Invitae), Labcorp
Classification: Uncertain significance for Alstrom syndrome. Last evaluated: 2022-08-23. Review status: criteria provided, single submitter. Criteria: Invitae Variant Classification Sherloc (09022015). Collection method: clinical testing. Allele origin: germline.
Comment: This sequence change replaces serine, which is neutral and polar, with leucine, which is neutral and non-polar, at codon 2700 of the ALMS1 protein (p.Ser2700Leu). This variant is present in population databases (rs769405720, gnomAD 0.03%). This variant has not been reported in the literature in individuals affected with ALMS1-related conditions. ClinVar contains an entry for this variant (Variation ID: 965921). Experimental studies and prediction algorithms are not available or were not evaluated, and the functional significance of this variant is currently unknown. In summary, the available evidence is currently insufficient to determine the role of this variant in disease. Therefore, it has been classified as a Variant of Uncertain Significance.

Breakthrough Genomics
Classification: Uncertain significance. Review status: criteria provided, single submitter. Criteria: ACMG Guidelines, 2015. Collection method: not provided. Allele origin: germline. Inheritance: Autosomal recessive inheritance. Affected: yes.

Natera, Inc.
Classification: Uncertain significance for Alstrom syndrome. Last evaluated: 2020-10-28. Review status: no assertion criteria provided. Collection method: clinical testing. Allele origin: germline. Not counted in ClinVar's aggregate classification.